The following is an entry in ClinVar:

NM_001197104.2(KMT2A):c.164C>T (p.Pro55Leu)

Gene: KMT2A (lysine methyltransferase 2A; plus strand). Cytogenetic location: 11q23.3.
Variant type: single nucleotide variant.
Coding change: c.164C>T on transcript NM_001197104.2 (MANE Select); coding-DNA position 164, C replaced by T.
Protein change: p.Pro55Leu; replaces proline 55 with leucine.
Molecular consequence: missense variant.
Genome position (GRCh38, 1-based): chr11:118,436,676, C>T. VCF-style: chr11-118436676-C-T. GRCh37 (hg19) VCF-style: chr11-118307391-C-T.
Other names: c.164C>T, p.Pro55Leu (NM_001412597.1, NM_005933.4); short protein forms P55L.
Identifiers: ClinVar variation 4800511 (VCV004800511.1).

ClinVar aggregate classification (germline): Uncertain significance (1 of 4 stars; one submission).

gnomAD v4.1: 2 of 1,242,932 alleles (0.00016%); highest among the groups gnomAD compares: Non-Finnish European, 0.0002%; no homozygotes.

Submission:

Labcorp Genetics (formerly Invitae), Labcorp
Classification: Uncertain significance. Last evaluated: 2025-04-01. Review status: criteria provided, single submitter. Criteria: Invitae Variant Classification Sherloc (09022015). Collection method: clinical testing. Allele origin: germline.
Comment: This sequence change replaces proline, which is neutral and non-polar, with leucine, which is neutral and non-polar, at codon 55 of the KMT2A protein (p.Pro55Leu). This variant is not present in population databases (gnomAD no frequency). This variant has not been reported in the literature in individuals affected with KMT2A-related conditions. Invitae Evidence Modeling of protein sequence and biophysical properties (such as structural, functional, and spatial information, amino acid conservation, physicochemical variation, residue mobility, and thermodynamic stability) indicates that this missense variant is not expected to disrupt KMT2A protein function with a negative predictive value of 95%. In summary, the available evidence is currently insufficient to determine the role of this variant in disease. Therefore, it has been classified as a Variant of Uncertain Significance.